The following is an entry in ClinVar:

ClinVar aggregate classification (germline): Uncertain significance (1 of 4 stars; one submission).

Conditions:
Hereditary cancer-predisposing syndrome. Also called: Neoplastic Syndromes, Hereditary; Tumor predisposition; Hereditary Cancer Syndrome; Hereditary neoplastic syndrome. Identifiers: Orphanet 140162, MedGen C0027672, MeSH D009386, MONDO:0015356.

Submission:

Ambry Genetics
Classification: Uncertain significance for Hereditary cancer-predisposing syndrome. Last evaluated: 2021-09-16. Review status: criteria provided, single submitter. Criteria: Ambry Variant Classification Scheme 2023. Collection method: clinical testing. Allele origin: germline.
Comment: The p.Y360F variant (also known as c.1079A>T), located in coding exon 9 of the POT1 gene, results from an A to T substitution at nucleotide position 1079. The tyrosine at codon 360 is replaced by phenylalanine, an amino acid with highly similar properties. This amino acid position is highly conserved in available vertebrate species. In addition, this alteration is predicted to be tolerated by in silico analysis. Since supporting evidence is limited at this time, the clinical significance of this alteration remains unclear.

NM_015450.3(POT1):c.1079A>T (p.Tyr360Phe)

Gene: POT1 (protection of telomeres 1; minus strand). Cytogenetic location: 7q31.33.
Variant type: single nucleotide variant.
Coding change: c.1079A>T on transcript NM_015450.3 (MANE Select); coding-DNA position 1079, A replaced by T.
Protein change: p.Tyr360Phe; replaces tyrosine 360 with phenylalanine.
Molecular consequence: missense variant. On other transcripts: non-coding transcript variant (3).
Genome position (GRCh38, 1-based): chr7:124,842,891, T>A on the plus strand (A>T on the coding strand, the complement: POT1 is on the minus strand). VCF-style: chr7-124842891-T-A. GRCh37 (hg19) VCF-style: chr7-124482945-T-A.
Other names: c.686A>T, p.Tyr229Phe (NM_001042594.2); short protein forms Y229F, Y360F.
Identifiers: ClinVar variation 1785654 (VCV001785654.2), dbSNP rs2485402171, ClinGen allele CA369068399.